The following is an entry in ClinVar:

ClinVar aggregate classification (germline): Uncertain significance. Review status: criteria provided, multiple submitters, no conflicts (2 of 4 stars). 2 submissions from 2 submitters: Uncertain significance (2). Last evaluated 2025-12-10.

Conditions:
Hypercholesterolemia, autosomal dominant, 3 (FHCL3). Also called: Familial Hypercholesterolemia, Autosomal Dominant, 3; PCSK9-Related Familial Hypercholesterolemia, Autosomal Dominant; Familial hypercholesterolemia 3. Identifiers: MedGen C1863551, MONDO:0011369, OMIM 603776.
Familial hypercholesterolemia. Also called: Familial hypercholesterolaemia; Familial hypercholesterolemias. Identifiers: MedGen C0020445, MONDO:0005439.

gnomAD v4.1: 1 of 1,613,632 alleles (0.000062%); highest among the groups gnomAD compares: Non-Finnish European, 0.000085%; no homozygotes.

Submissions (2):

Labcorp Genetics (formerly Invitae), Labcorp
Classification: Uncertain significance for Hypercholesterolemia, autosomal dominant, 3. Last evaluated: 2025-12-10. Review status: criteria provided, single submitter. Criteria: Invitae Variant Classification Sherloc (09022015). Collection method: clinical testing. Allele origin: germline.
Comment: This sequence change replaces aspartic acid, which is acidic and polar, with glycine, which is neutral and non-polar, at codon 422 of the PCSK9 protein (p.Asp422Gly). This variant is not present in population databases (gnomAD no frequency). This variant has not been reported in the literature in individuals affected with PCSK9-related conditions. Invitae Evidence Modeling of protein sequence and biophysical properties (such as structural, functional, and spatial information, amino acid conservation, physicochemical variation, residue mobility, and thermodynamic stability) indicates that this missense variant is not expected to disrupt PCSK9 protein function with a negative predictive value of 80%. In summary, the available evidence is currently insufficient to determine the role of this variant in disease. Therefore, it has been classified as a Variant of Uncertain Significance.

Color Diagnostics, LLC DBA Color Health
Classification: Uncertain significance for Familial hypercholesterolemia. Last evaluated: 2025-07-08. Review status: criteria provided, single submitter. Criteria: ACMG Guidelines, 2015. Collection method: clinical testing. Allele origin: germline.
Comment: This missense variant replaces aspartic acid with glycine at codon 422 of the PCSK9 protein. Computational prediction suggests that this variant may not impact protein structure and function. To our knowledge, functional studies have not been reported for this variant. This variant has not been reported in individuals affected with PCSK9-related disorders in the literature. This variant has not been identified in the general population by the Genome Aggregation Database (gnomAD). The available evidence is insufficient to determine the role of this variant in disease conclusively. Therefore, this variant is classified as a Variant of Uncertain Significance.

NM_174936.4(PCSK9):c.1265A>G (p.Asp422Gly)

Gene: PCSK9 (proprotein convertase subtilisin/kexin type 9; plus strand). Cytogenetic location: 1p32.3.
Variant type: single nucleotide variant.
Coding change: c.1265A>G on transcript NM_174936.4 (MANE Select); coding-DNA position 1265, A replaced by G.
Protein change: p.Asp422Gly; replaces aspartic acid 422 with glycine.
Molecular consequence: missense variant. On other transcripts: non-coding transcript variant (8), intron variant (2).
Genome position (GRCh38, 1-based): chr1:55,058,120, A>G. VCF-style: chr1-55058120-A-G. GRCh37 (hg19) VCF-style: chr1-55523793-A-G.
Other names: c.1388A>G, p.Asp463Gly (NM_001407240.1); c.1265A>G, p.Asp422Gly (NM_001407241.1); c.1268A>G, p.Asp423Gly (NM_001407242.1); c.1208A>G, p.Asp403Gly (NM_001407243.1); c.1073A>G, p.Asp358Gly (NM_001407245.1); c.890A>G, p.Asp297Gly (NM_001407246.1); c.1181-379A>G (NM_001407244.1); c.1180+606A>G (NM_001407247.1); short protein forms D297G, D358G, D403G, D422G, D423G, D463G.
Identifiers: ClinVar variation 4758926 (VCV004758926.2).